The following is an entry in ClinVar:

NM_025114.4(CEP290):c.4142A>C (p.Glu1381Ala)

Gene: CEP290 (centrosomal protein 290; minus strand). Cytogenetic location: 12q21.32.
Variant type: single nucleotide variant.
Coding change: c.4142A>C on transcript NM_025114.4 (MANE Select); coding-DNA position 4142, A replaced by C.
Protein change: p.Glu1381Ala; replaces glutamic acid 1381 with alanine.
Molecular consequence: missense variant.
Genome position (GRCh38, 1-based): chr12:88,087,832, T>G on the plus strand (A>C on the coding strand, the complement: CEP290 is on the minus strand). VCF-style: chr12-88087832-T-G. GRCh37 (hg19) VCF-style: chr12-88481609-T-G.
Other names: short protein forms E1381A.
Identifiers: ClinVar variation 1914483 (VCV001914483.5), dbSNP rs1175360748, ClinGen allele CA385999088.

ClinVar aggregate classification (germline): Uncertain significance (1 of 4 stars; one submission).

Conditions:
Joubert syndrome. Also called: CEREBELLOPARENCHYMAL DISORDER IV; JOUBERT-BOLTSHAUSER SYNDROME; Familial aplasia of the vermis. Identifiers: Orphanet 475, MedGen C5979921, MONDO:0018772.
Meckel-Gruber syndrome. Also called: DYSENCEPHALIA SPLANCHNOCYSTICA; GRUBER SYNDROME; Dysencephalia splachnocystica. Identifiers: Orphanet 564, MedGen C0265215, MONDO:0018921.
Nephronophthisis. Also called: Juvenile Nephronophthisis. Identifiers: Orphanet 655, MedGen C0687120, MONDO:0019005, HP:0000090.

gnomAD v4.1: 3 of 1,290,982 alleles (0.00023%); highest among the groups gnomAD compares: Non-Finnish European, 0.0002%; no homozygotes.

Submission:

Labcorp Genetics (formerly Invitae), Labcorp
Classification: Uncertain significance for Joubert syndrome; Meckel-Gruber syndrome; Nephronophthisis. Last evaluated: 2021-12-02. Review status: criteria provided, single submitter. Criteria: Invitae Variant Classification Sherloc (09022015). Collection method: clinical testing. Allele origin: germline.
Comment: This sequence change replaces glutamic acid, which is acidic and polar, with alanine, which is neutral and non-polar, at codon 1381 of the CEP290 protein (p.Glu1381Ala). In summary, the available evidence is currently insufficient to determine the role of this variant in disease. Therefore, it has been classified as a Variant of Uncertain Significance. Algorithms developed to predict the effect of missense changes on protein structure and function (SIFT, PolyPhen-2, Align-GVGD) all suggest that this variant is likely to be disruptive. This variant has not been reported in the literature in individuals affected with CEP290-related conditions. This variant is present in population databases (no rsID available, gnomAD 0.007%).